The following is an entry in ClinVar:

ClinVar aggregate classification (germline): Uncertain significance (1 of 4 stars; one submission).

Conditions:
Congenital myasthenic syndrome 8. Also called: MYASTHENIC SYNDROME, CONGENITAL, DUE TO AGRIN DEFICIENCY; Myasthenic syndrome, congenital, 8, with pre- and postsynaptic defects. Identifiers: Orphanet 590, MedGen C3808739, MONDO:0014052, OMIM 615120.

gnomAD v4.1: 16 of 1,612,800 alleles (0.00099%); highest among the groups gnomAD compares: African/African-American, 0.0013%; no homozygotes.

Submission:

Labcorp Genetics (formerly Invitae), Labcorp
Classification: Uncertain significance for Congenital myasthenic syndrome 8. Last evaluated: 2023-03-31. Review status: criteria provided, single submitter. Criteria: Invitae Variant Classification Sherloc (09022015). Collection method: clinical testing. Allele origin: germline.
Comment: In summary, the available evidence is currently insufficient to determine the role of this variant in disease. Therefore, it has been classified as a Variant of Uncertain Significance. An algorithm developed to predict the effect of missense changes on protein structure and function (PolyPhen-2) suggests that this variant is likely to be disruptive. ClinVar contains an entry for this variant (Variation ID: 848711). This variant has not been reported in the literature in individuals affected with AGRN-related conditions. This variant is present in population databases (rs773983766, gnomAD 0.007%). This sequence change replaces proline, which is neutral and non-polar, with serine, which is neutral and polar, at codon 828 of the AGRN protein (p.Pro828Ser).

NM_198576.4(AGRN):c.2482C>T (p.Pro828Ser)

Gene: AGRN (agrin; plus strand). Cytogenetic location: 1p36.33.
Variant type: single nucleotide variant.
Coding change: c.2482C>T on transcript NM_198576.4 (MANE Select); coding-DNA position 2482, C replaced by T.
Protein change: p.Pro828Ser; replaces proline 828 with serine.
Molecular consequence: missense variant.
Genome position (GRCh38, 1-based): chr1:1,045,469, C>T. VCF-style: chr1-1045469-C-T. GRCh37 (hg19) VCF-style: chr1-980849-C-T.
Other names: c.2482C>T, p.Pro828Ser (NM_001305275.2); c.2167C>T, p.Pro723Ser (NM_001364727.2); short protein forms P723S, P828S.
Identifiers: ClinVar variation 848711 (VCV000848711.7), dbSNP rs773983766, ClinGen allele CA508645.